The following is an entry in ClinVar:

NM_001242896.3(DEPDC5):c.1381G>A (p.Ala461Thr)

Gene: DEPDC5 (DEP domain containing 5, GATOR1 subcomplex subunit; plus strand). Cytogenetic location: 22q12.3.
Variant type: single nucleotide variant.
Coding change: c.1381G>A on transcript NM_001242896.3 (MANE Select); coding-DNA position 1381, G replaced by A.
Protein change: p.Ala461Thr; replaces alanine 461 with threonine.
Molecular consequence: missense variant. On other transcripts: non-coding transcript variant (5).
Genome position (GRCh38, 1-based): chr22:31,810,577, G>A. VCF-style: chr22-31810577-G-A. GRCh37 (hg19) VCF-style: chr22-32206563-G-A.
Other names: c.1381G>A, p.Ala461Thr (NM_001007188.4, NM_001136029.4, NM_001242897.2 and 7 more transcripts); c.1297G>A, p.Ala433Thr (NM_001369901.1, NM_001369902.1); short protein forms A461T, A433T.
Identifiers: ClinVar variation 534787 (VCV000534787.12), dbSNP rs771161131, ClinGen allele CA10196355.

ClinVar aggregate classification (germline): Uncertain significance. Review status: criteria provided, multiple submitters, no conflicts (2 of 4 stars). 2 submissions from 2 submitters: Uncertain significance (2). Last evaluated 2024-05-08.

Conditions:
Familial focal epilepsy with variable foci (FPEVF). Identifiers: Orphanet 98820, MedGen C1858477, MONDO:0020310.

Allele frequency attached by ClinVar (database versions not stated): gnomAD exomes below 0.00001 and 0.00001; ExAC 0.00001; gnomAD 0.00001.

Submissions (2):

Labcorp Genetics (formerly Invitae), Labcorp
Classification: Uncertain significance for Familial focal epilepsy with variable foci. Last evaluated: 2024-05-08. Review status: criteria provided, single submitter. Criteria: Invitae Variant Classification Sherloc (09022015). Collection method: clinical testing. Allele origin: germline.
Comment: This sequence change replaces alanine, which is neutral and non-polar, with threonine, which is neutral and polar, at codon 461 of the DEPDC5 protein (p.Ala461Thr). This variant is present in population databases (rs771161131, gnomAD 0.004%). This variant has not been reported in the literature in individuals affected with DEPDC5-related conditions. ClinVar contains an entry for this variant (Variation ID: 534787). Experimental studies and prediction algorithms are not available or were not evaluated, and the functional significance of this variant is currently unknown. In summary, the available evidence is currently insufficient to determine the role of this variant in disease. Therefore, it has been classified as a Variant of Uncertain Significance.

GeneDx
Classification: Uncertain significance. Last evaluated: 2022-11-05. Review status: criteria provided, single submitter. Criteria: GeneDx Variant Classification Process June 2021. Collection method: clinical testing. Allele origin: germline. Affected: yes.
Comment: In silico analysis supports that this missense variant has a deleterious effect on protein structure/function; Has not been previously published as pathogenic or benign to our knowledge